The following is an entry in ClinVar:

NM_152703.5(SAMD9L):c.3502A>G (p.Arg1168Gly)

Gene: SAMD9L (sterile alpha motif domain containing 9 like; minus strand). Cytogenetic location: 7q21.2.
Variant type: single nucleotide variant.
Coding change: c.3502A>G on transcript NM_152703.5 (MANE Select); coding-DNA position 3502, A replaced by G.
Protein change: p.Arg1168Gly; replaces arginine 1168 with glycine.
Molecular consequence: missense variant.
Genome position (GRCh38, 1-based): chr7:93,132,470, T>C on the plus strand (A>G on the coding strand, the complement: SAMD9L is on the minus strand). VCF-style: chr7-93132470-T-C. GRCh37 (hg19) VCF-style: chr7-92761783-T-C.
Other names: c.3502A>G, p.Arg1168Gly (NM_001303496.3, NM_001303497.3, NM_001303498.3 and 5 more transcripts); short protein forms R1168G.
Identifiers: ClinVar variation 4842041 (VCV004842041.1).

ClinVar aggregate classification (germline): Uncertain significance (1 of 4 stars; one submission).

Conditions:
Inborn genetic diseases. Identifiers: MedGen C0950123, MeSH D030342.

gnomAD v4.1: 5 of 1,613,600 alleles (0.00031%); highest among the groups gnomAD compares: Non-Finnish European, 0.00042%; no homozygotes.

Submission:

Ambry Genetics
Classification: Uncertain significance for Inborn genetic diseases. Last evaluated: 2026-01-13. Review status: criteria provided, single submitter. Criteria: Ambry Variant Classification Scheme 2023. Collection method: clinical testing. Allele origin: germline.
Comment: The p.R1168G variant (also known as c.3502A>G), located in coding exon 1 of the SAMD9L gene, results from an A to G substitution at nucleotide position 3502. The arginine at codon 1168 is replaced by glycine, an amino acid with dissimilar properties. This amino acid position is conserved. In addition, this alteration is predicted to be tolerated by in silico analysis. Based on the available evidence, the clinical significance of this variant remains unclear.